The following is an entry in ClinVar:

NM_004409.5(DMPK):c.*224CTG[134]

Genes: DM1-AS (DM1 locus antisense RNA; plus strand), DMPK (DM1 protein kinase; minus strand), LOC107075317 (origin of replication in DMPK trinucleotide repeat region; plus strand), LOC109461477 (dystrophia myotonica protein kinase repeat instability region; plus strand). Cytogenetic location: 19q13.32.
Variant type: Microsatellite.
Coding change: c.*224CTG[134] on transcript NM_004409.5 (MANE Select); 134 copies in a row of the 3-base unit CTG starting at c.*224.
Molecular consequence: 3 prime UTR variant.
Genome position: GRCh38, VCF-style position (the base before the change): chr19:45,770,204. GRCh37 (hg19), VCF-style position (the base before the change): chr19:46,273,462.
Other names: DM1 CTG repeat expansion; c.*224CTG[134] (NM_001288764.2, NM_001081560.3, NM_001424165.1 and 1 more transcripts); c.*217CTG[134] (NM_001288765.2, NM_001424162.1, NM_001424163.1 and 2 more transcripts); c.*369CTG[134] (NM_001288766.2, NM_001424164.1, NM_001424168.1); c.*222_*224TGC[134] (NM_001081563.3).
Identifiers: ClinVar variation 187921 (VCV000187921.2), ClinGen allele CA915951718.

ClinVar aggregate classification (germline): Pathogenic (0 of 4 stars; one submission).

Conditions:
Steinert myotonic dystrophy syndrome (DM1). Also called: STEINERT DISEASE; Myotonic dystrophy type 1; Dystrophia myotonica type 1; Steinert myotonic dystrophy; Steinert's disease. Identifiers: Orphanet 273, MedGen C3250443, MONDO:0008056, OMIM 160900.

Submission:

Institute of Molecular, Cell and Systems Biology, University of Glasgow
Classification: Pathogenic for Steinert myotonic dystrophy syndrome. Review status: no assertion criteria provided. Criteria: research. Collection method: research. Allele origin: germline. Inheritance: Autosomal dominant inheritance. Affected: yes. Observed: 1 heterozygote.
Comment: DMPK CTG repeat expansions greater than approximately 45-50 repeats are assumed to be pathogenic

This record is based on data published in PubMed 25052313, which reports only ClinVar accessions SCV000120188 and SCV000120189. The complete data set includes SCV000207445 - SCV000207579.

Literature cited by the submitters: PubMed 1346923; PubMed 1546326; PubMed 25052313.